The following is an entry in ClinVar:

ClinVar aggregate classification (germline): Benign. Review status: criteria provided, multiple submitters, no conflicts (2 of 4 stars). 3 submissions from 3 submitters: Benign (3). Last evaluated 2026-01-06.

Allele frequency attached by ClinVar (database versions not stated): gnomAD exomes 0.00345; ExAC 0.00422; gnomAD 0.01172 and 0.01268; 1000 Genomes Project 0.01298; TOPMed 0.01335; 1000 Genomes Project 30x 0.01374; ESP Exome Variant Server 0.01385.
gnomAD v4.1: 3,667 of 1,600,454 alleles (0.23%); highest among the groups gnomAD compares: African/African-American, 4.1%; 88 homozygotes.

Submissions (3):

Labcorp Genetics (formerly Invitae), Labcorp
Classification: Benign. Last evaluated: 2026-01-06. Review status: criteria provided, single submitter. Criteria: Invitae Variant Classification Sherloc (09022015). Collection method: clinical testing. Allele origin: germline.

Mayo Clinic Laboratories, Mayo Clinic
Classification: Benign. Last evaluated: 2023-12-21. Review status: criteria provided, single submitter. Criteria: ACMG Guidelines, 2015. Collection method: clinical testing. Allele origin: germline. Observed: 2 variant alleles.
Comment: BS1, BS2, BP4_strong

Breakthrough Genomics
Classification: Benign. Review status: criteria provided, single submitter. Criteria: ACMG Guidelines, 2015. Collection method: not provided. Allele origin: germline. Inheritance: Autosomal recessive inheritance. Affected: yes.

NM_005560.6(LAMA5):c.638C>T (p.Ala213Val)

Gene: LAMA5 (laminin subunit alpha 5; minus strand). Cytogenetic location: 20q13.33.
Variant type: single nucleotide variant.
Coding change: c.638C>T on transcript NM_005560.6 (MANE Select); coding-DNA position 638, C replaced by T.
Protein change: p.Ala213Val; replaces alanine 213 with valine.
Molecular consequence: missense variant.
Genome position (GRCh38, 1-based): chr20:62,352,291, G>A on the plus strand (C>T on the coding strand, the complement: LAMA5 is on the minus strand). VCF-style: chr20-62352291-G-A. GRCh37 (hg19) VCF-style: chr20-60927347-G-A.
Other names: p.Ala213Val; short protein forms A213V.
Identifiers: ClinVar variation 781576 (VCV000781576.12), dbSNP rs115914846, ClinGen allele CA9944361.